The following is an entry in ClinVar:

ClinVar aggregate classification (germline): Uncertain significance (1 of 4 stars; one submission).

Conditions:
Hereditary cancer-predisposing syndrome. Also called: Tumor predisposition; Hereditary neoplastic syndrome; Neoplastic Syndromes, Hereditary; Hereditary Cancer Syndrome. Identifiers: Orphanet 140162, MedGen C0027672, MeSH D009386, MONDO:0015356.

Submission:

Ambry Genetics
Classification: Uncertain significance for Hereditary cancer-predisposing syndrome. Last evaluated: 2018-08-24. Review status: criteria provided, single submitter. Criteria: Ambry Variant Classification Scheme 2023. Collection method: clinical testing. Allele origin: germline.
Comment: The p.C442F variant (also known as c.1325G>T), located in coding exon 8 of the BRIP1 gene, results from a G to T substitution at nucleotide position 1325. The cysteine at codon 442 is replaced by phenylalanine, an amino acid with highly dissimilar properties. This amino acid position is highly conserved in available vertebrate species. In addition, this alteration is predicted to be deleterious by in silico analysis. Since supporting evidence is limited at this time, the clinical significance of this alteration remains unclear.

NM_032043.3(BRIP1):c.1325G>T (p.Cys442Phe)

Gene: BRIP1 (BRCA1 interacting DNA helicase 1; minus strand). Cytogenetic location: 17q23.2.
Variant type: single nucleotide variant.
Coding change: c.1325G>T on transcript NM_032043.3 (MANE Select); coding-DNA position 1325, G replaced by T.
Protein change: p.Cys442Phe; replaces cysteine 442 with phenylalanine.
Molecular consequence: missense variant.
Genome position (GRCh38, 1-based): chr17:61,799,115, C>A on the plus strand (G>T on the coding strand, the complement: BRIP1 is on the minus strand). VCF-style: chr17-61799115-C-A. GRCh37 (hg19) VCF-style: chr17-59876476-C-A.
Other names: short protein forms C442F.
Identifiers: ClinVar variation 818935 (VCV000818935.4), dbSNP rs1555607040, ClinGen allele CA400483374.
Genomic context (GRCh38, chr17:61,799,115, plus strand): 5'-TCATATAAAGGCAGCACAAATACACTAATAGACAAATCTTCTTACTTAATGAGGCTACAG[C>A]ACACAGCTCGTAGGGGTTCATGATCTTTCTTCCTTATATTATTGTTGACCATACTATCTA-3'
Protein context (NP_114432.2, residues 432-452): KKDHEPLRAV[Cys442Phe]CSLINWLEAN